The following is an entry in ClinVar:

ClinVar aggregate classification (germline): Uncertain significance. Review status: criteria provided, multiple submitters, no conflicts (2 of 4 stars). 2 submissions from 2 submitters: Uncertain significance (2). Last evaluated 2025-12-08.

Conditions:
Pancreatic adenocarcinoma. Identifiers: MedGen C0281361, MONDO:0006047, HP:0006725.

Submissions (2):

Ambry Genetics
Classification: Uncertain significance. Last evaluated: 2025-12-08. Review status: criteria provided, single submitter. Criteria: Ambry Variant Classification Scheme 2023. Collection method: clinical testing. Allele origin: germline.

Labcorp Genetics (formerly Invitae), Labcorp
Classification: Uncertain significance for Pancreatic adenocarcinoma. Last evaluated: 2021-05-25. Review status: criteria provided, single submitter. Criteria: Invitae Variant Classification Sherloc (09022015). Collection method: clinical testing. Allele origin: germline.
Comment: In summary, the available evidence is currently insufficient to determine the role of this variant in disease. Therefore, it has been classified as a Variant of Uncertain Significance. Algorithms developed to predict the effect of missense changes on protein structure and function (SIFT, PolyPhen-2, Align-GVGD) all suggest that this variant is likely to be disruptive, but these predictions have not been confirmed by published functional studies and their clinical significance is uncertain. This variant has not been reported in the literature in individuals with PALLD-related conditions. This variant is not present in population databases (ExAC no frequency). This sequence change replaces aspartic acid with histidine at codon 460 of the PALLD protein (p.Asp460His). The aspartic acid residue is highly conserved and there is a moderate physicochemical difference between aspartic acid and histidine.

NM_001166108.2(PALLD):c.2890G>C (p.Asp964His)

Genes: CBR4 (carbonyl reductase 4; minus strand), PALLD (palladin, cytoskeletal associated protein; plus strand). Cytogenetic location: 4q32.3.
Variant type: single nucleotide variant.
Coding change: c.2890G>C on transcript NM_001166108.2 (MANE Select); coding-DNA position 2890, G replaced by C.
Protein change: p.Asp964His; replaces aspartic acid 964 with histidine.
Molecular consequence: missense variant.
Genome position (GRCh38, 1-based): chr4:168,921,573, G>C. VCF-style: chr4-168921573-G-C. GRCh37 (hg19) VCF-style: chr4-169842724-G-C.
Other names: c.1693G>C, p.Asp565His (NM_001166109.2); c.1378G>C, p.Asp460His (NM_001166110.2); c.718G>C, p.Asp240His (NM_001367567.1, NM_001367569.1); c.769G>C, p.Asp257His (NM_001367568.1, NM_001367570.1); c.2839G>C, p.Asp947His (NM_016081.4); c.1378G>C (NM_001166110.1); short protein forms D240H, D257H, D460H, D964H, D565H, D947H.
Identifiers: ClinVar variation 1388474 (VCV001388474.10), dbSNP rs1490808015, ClinGen allele CA358708491.